The following is an entry in ClinVar:

NM_000245.4(MET):c.1227T>C (p.Cys409=)

Gene: MET (MET proto-oncogene, receptor tyrosine kinase; plus strand). Cytogenetic location: 7q31.2.
Variant type: single nucleotide variant.
Coding change: c.1227T>C on transcript NM_000245.4 (MANE Select); coding-DNA position 1227, T replaced by C.
Protein change: p.Cys409=; no amino-acid change (cysteine 409 retained).
Molecular consequence: synonymous variant. On other transcripts: 5 prime UTR variant (1).
Genome position (GRCh38, 1-based): chr7:116,731,694, T>C. VCF-style: chr7-116731694-T-C. GRCh37 (hg19) VCF-style: chr7-116371748-T-C.
Other names: c.1227T>C, p.Cys409= (NM_001127500.3, NM_001324401.3); c.-64T>C (NM_001324402.2).
Identifiers: ClinVar variation 1754680 (VCV001754680.3), dbSNP rs2116779815, ClinGen allele CA457215111.

ClinVar aggregate classification (germline): Benign/Likely benign. Review status: criteria provided, multiple submitters, no conflicts (2 of 4 stars). 2 submissions from 2 submitters: Benign (1); Likely benign (1). Last evaluated 2024-11-07.

Conditions:
Hereditary cancer-predisposing syndrome. Also called: Neoplastic Syndromes, Hereditary; Tumor predisposition; Hereditary Cancer Syndrome; Hereditary neoplastic syndrome. Identifiers: Orphanet 140162, MedGen C0027672, MeSH D009386, MONDO:0015356.
Papillary renal cell carcinoma type 1 (RCCP1). Also called: RENAL CELL CARCINOMA, PAPILLARY, 1, SOMATIC; Renal adenocarcinoma; Renal cell carcinoma 1; Renal cell carcinoma, somatic. Identifiers: Orphanet 47044, MedGen C1336839, OMIM 605074, HP:0011797.

Submissions (2):

Myriad Genetics, Inc.
Classification: Benign for Papillary renal cell carcinoma type 1. Last evaluated: 2024-11-07. Review status: criteria provided, single submitter. Criteria: Myriad Autosomal Dominant, Autosomal Recessive and X-Linked Classification Criteria (2023). Collection method: clinical testing. Allele origin: unknown.
Comment: This variant is considered benign. This variant is a silent/synonymous amino acid change and it is not expected to impact splicing.

Ambry Genetics
Classification: Likely benign for Hereditary cancer-predisposing syndrome. Last evaluated: 2022-05-06. Review status: criteria provided, single submitter. Criteria: Ambry Variant Classification Scheme 2023. Collection method: clinical testing. Allele origin: germline.